The following is an entry in ClinVar:

ClinVar aggregate classification (germline): Uncertain significance (1 of 4 stars; one submission).

Conditions:
Noonan syndrome 10 (NS10). Identifiers: Orphanet 648, MedGen C4225280, MONDO:0014693, OMIM 616564.
LZTR1-related schwannomatosis. Also called: Schwannomatosis-2, susceptibility to; Schwannomatosis 2. Identifiers: Orphanet 93921, MedGen C3810283, MONDO:0014299, OMIM 615670.
Noonan syndrome 2 (NS2). Identifiers: Orphanet 648, MedGen C1854469, MONDO:0011531, OMIM 605275.

gnomAD v4.1: 84 of 611,254 alleles (0.014%); highest among the groups gnomAD compares: South Asian, 0.12%; no homozygotes.

Submission:

Juno Genomics, Hangzhou Juno Genomics, Inc
Classification: Uncertain significance for LZTR1-related schwannomatosis; Noonan syndrome 10; Noonan syndrome 2. Review status: criteria provided, single submitter. Criteria: ACMG Guidelines, 2015. Collection method: clinical testing. Allele origin: germline.
Comment: Absent from controls (or at extremely low frequency if recessive) in Genome Aggregation Database.;Multiple lines of computational evidence support a deleterious effect on the gene or gene product.

NM_006767.4(LZTR1):c.1943-354C>G

Gene: LZTR1 (leucine zipper like post translational regulator 1; plus strand). Cytogenetic location: 22q11.21.
Variant type: single nucleotide variant.
Coding change: c.1943-354C>G on transcript NM_006767.4 (MANE Select); 354 bases into the intron before coding-DNA position 1943, C replaced by G.
Molecular consequence: intron variant.
Genome position (GRCh38, 1-based): chr22:20,995,392, C>G. VCF-style: chr22-20995392-C-G. GRCh37 (hg19) VCF-style: chr22-21349681-C-G.
Identifiers: ClinVar variation 5006461 (VCV005006461.2).